The following is an entry in ClinVar:

ClinVar aggregate classification (germline): Benign/Likely benign. Review status: criteria provided, multiple submitters, no conflicts (2 of 4 stars). 13 submissions from 13 submitters: Benign (8); Likely benign (2). 3 of the submissions do not count toward it. Last evaluated 2026-02-04.
ClinVar aggregate classification (somatic clinical impact): Tier IV - Benign/Likely benign. Review status: no assertion criteria provided (0 of 4 stars). 2 submissions from 1 submitter.

Conditions:
BRCA2-related disorder. Also called: BRCA2-related condition; BRCA2-related disorders. Identifiers: MedGen CN239275.
Breast and/or ovarian cancer. Identifiers: MedGen CN221562.
Hereditary cancer-predisposing syndrome. Also called: Tumor predisposition; Neoplastic Syndromes, Hereditary; Hereditary Cancer Syndrome; Hereditary neoplastic syndrome. Identifiers: Orphanet 140162, MedGen C0027672, MeSH D009386, MONDO:0015356.
Breast-ovarian cancer, familial, susceptibility to, 2 (BROVCA2). Also called: BRCA2 Hereditary Breast and Ovarian Cancer. Identifiers: Orphanet 145, MedGen C2675520, MONDO:0012933, OMIM 612555. Disease mechanism: loss of function.
Hereditary breast ovarian cancer syndrome. Also called: BRCA1- and BRCA2-Associated Hereditary Breast and Ovarian Cancer; Hereditary breast and/or ovarian cancer syndrome; Hereditary breast and ovarian cancer; Hereditary breast and ovarian cancer syndrome; Hereditary breast and ovarian cancer syndrome (HBOC); Breast and ovarian cancer. Identifiers: Orphanet 145, MedGen C0677776, MeSH D061325, MONDO:0003582. Disease mechanism: loss of function.
Lung cancer. Also called: Malignant tumor of lung; Lung cancer, somatic. Identifiers: MedGen C0242379, MONDO:0008903, OMIM 211980.
Familial cancer of breast. Also called: hereditary breast carcinoma; Hereditary breast cancer; BREAST CANCER, FAMILIAL. Identifiers: Orphanet 227535, MedGen C0346153, MONDO:0016419, OMIM 114480. Disease mechanism: loss of function.

Submissions (15):

Labcorp Genetics (formerly Invitae), Labcorp
Classification: Benign for Hereditary breast ovarian cancer syndrome. Last evaluated: 2026-02-04. Review status: criteria provided, single submitter. Criteria: Invitae Variant Classification Sherloc (09022015). Collection method: clinical testing. Allele origin: germline.

ARUP Laboratories, Molecular Genetics and Genomics, ARUP Laboratories
Classification: Benign. Last evaluated: 2025-07-31. Review status: criteria provided, single submitter. Criteria: ARUP Molecular Germline Variant Investigation Process 2024. Collection method: clinical testing. Allele origin: germline.

Center for Genomic Medicine, Rigshospitalet, Copenhagen University Hospital
Classification: Benign. Last evaluated: 2025-03-04. Review status: criteria provided, single submitter. Criteria: ACMG Guidelines, 2015. Collection method: clinical testing. Allele origin: germline.

Dasa
Classification: Benign for Breast-ovarian cancer, familial, susceptibility to, 2. Last evaluated: 2024-12-07. Review status: criteria provided, single submitter. Criteria: DASA Assertion Criteria. Collection method: clinical testing. Allele origin: germline.
Comment: NM_000059.4(BRCA2):c.1909+22dup is an intronic variant. Population frequency is inconsistent with a disease-causing role for this variant, observations in unaffected individuals support a benign interpretation, and the variant context is inconsistent with a known disease-causing mechanism. Therefore, based on the currently available evidence, this variant is classified as benign.

Blueprint Genetics
Classification: Likely benign. Last evaluated: 2024-11-27. Review status: criteria provided, single submitter. Criteria: ACMG Guidelines, 2015. Collection method: clinical testing. Allele origin: germline.

Mayo Clinic Laboratories, Mayo Clinic
Classification: Benign. Last evaluated: 2022-01-04. Review status: criteria provided, single submitter. Criteria: ACMG Guidelines, 2015. Collection method: clinical testing. Allele origin: germline. Observed: 9 variant alleles.
Comment: BA1

Sema4
Classification: Benign for Hereditary cancer-predisposing syndrome. Last evaluated: 2020-03-22. Review status: criteria provided, single submitter. Criteria: Sema4 Curation Guidelines. Collection method: curation. Allele origin: germline.

CHEO Genetics Diagnostic Laboratory, Children's Hospital of Eastern Ontario
Classification: Benign for Breast and/or ovarian cancer. Last evaluated: 2019-11-04. Review status: criteria provided, single submitter. Criteria: ACMG Guidelines, 2015. Collection method: clinical testing. Allele origin: germline.

Mendelics
Classification: Benign for Breast-ovarian cancer, familial, susceptibility to, 2. Last evaluated: 2019-05-28. Review status: criteria provided, single submitter. Criteria: Mendelics Assertion Criteria 2017. Collection method: clinical testing. Allele origin: unknown.

Color Diagnostics, LLC DBA Color Health
Classification: Likely benign for Hereditary cancer-predisposing syndrome. Last evaluated: 2015-03-18. Review status: criteria provided, single submitter. Criteria: ACMG Guidelines, 2015. Collection method: clinical testing. Allele origin: germline.

PreventionGenetics, part of Exact Sciences
Classification: Likely benign for BRCA2-related condition. Last evaluated: 2021-03-03. Review status: no assertion criteria provided. Collection method: clinical testing. Allele origin: germline. Not counted in ClinVar's aggregate classification.
Comment: This variant is classified as likely benign based on ACMG/AMP sequence variant interpretation guidelines (Richards et al. 2015 PMID: 25741868, with internal and published modifications).

Cancer Genetics and Genomics Laboratory, British Columbia Cancer Agency
Classification: Uncertain significance for Hereditary breast ovarian cancer syndrome. Last evaluated: 2017-04-18. Review status: no assertion criteria provided. Collection method: clinical testing. Allele origin: germline. Study: The Canadian Open Genetics Repository (COGR). Not counted in ClinVar's aggregate classification.

Department of Pathology and Laboratory Medicine, Sinai Health System
Classification: Benign. Review status: no assertion criteria provided. Collection method: clinical testing. Allele origin: unknown. Affected: yes. Study: The Canadian Open Genetics Repository (COGR). Not counted in ClinVar's aggregate classification.
Comment: The BRCA2 c.1909+22dupT variant was identified in a study by ThâˆšÂ©ry (2011) in at least one family undergoing genetic counseling. The variant was also identified in the LOVD, and the UMD (6X as an unclassified variant). In UMD the variant was identified with a co-occurring pathogenic BRCA1 variant (c.135_441dup (p.Gln148IlefsX20)), increasing the likelihood that the c.1909+22dup variant does not have clinical significance. The variant occurs outside of the splicing consensus sequence, but is within a polyT tract which can sometimes cause alternative splicing. Thery (2011) used a functional minigene-based splicing assay and found no effect of the variant on splicing. In addition, five in silico or computational prediction software programs (SpliceSiteFinder, MaxEntScan, NNSPLICE, GeneSplicer, HumanSpliceFinder) do not predict a difference in splicing. In summary, based on the above information, this variant meets our laboratory's criteria to be classified as benign.

Faculté Pluridciplinaire Nador, Université Mohamed Premier
Classification: Tier IV - Benign/Likely benign for Familial cancer of breast. Review status: no assertion criteria provided. Collection method: research. Allele origin: somatic. Affected: yes.
Comment: The following databases and algorithms are used to annotate and evaluate the impact of the variant in the context of human disease: 1000 genomes, gnomAD, ClinVar, OMIM, dbSNP, NCIB RefSeq Genes, ExAC Gene Constraints, VS-SIFT, VS-PolyPhen2, PhyloP, GERP++, GeneSplicer, MaxEntScan, NNSplice, PWM Splice Predictor.

Faculté Pluridciplinaire Nador, Université Mohamed Premier
Classification: Tier IV - Benign/Likely benign for Lung cancer. Review status: no assertion criteria provided. Collection method: research. Allele origin: somatic. Affected: yes.
Comment: the same text as in the submission from Faculté Pluridciplinaire Nador, Université Mohamed Premier above.

NM_000059.4(BRCA2):c.1909+22dup

Gene: BRCA2 (BRCA2 DNA repair associated; plus strand). Cytogenetic location: 13q13.1.
Variant type: Duplication.
Coding change: c.1909+22dup on transcript NM_000059.4 (MANE Select); 22 bases into the intron after coding-DNA position 1909, one base duplicated (T; older notation c.1909+22dupT).
Molecular consequence: intron variant.
Genome position (GRCh38, 1-based): chr13:32,333,409, T duplicated; the last of 11 consecutive T bases (chr13:32,333,399-32,333,409); duplicating any one gives the same sequence. VCF-style (leftmost placement, unchanged base first): chr13-32333398-C-CT. GRCh37 (hg19) VCF-style: chr13-32907535-C-CT.
Other names: NC_000013.10:g.32907546_32907547insT; p.?; c.1909+22dupT (NM_000059.4, NM_000059.3).
Identifiers: ClinVar variation 220876 (VCV000220876.38), dbSNP rs276174816, ClinGen allele CA013803.
Genomic context (GRCh38, chr13:32,333,398, plus strand): 5'-TGAAGCAAATGCTTTTGAAGCACCACTTACATTTGCAAATGCTGATTCAGGTACCTCTGT[C>CT]TTTTTTTTTTTGTAAATAGTACATATAGTTTTATAGATGACGATTCCTTCTGTGTTTTTT-3'